The following is an entry in ClinVar:

NM_001004334.4(GPR179):c.5107G>C (p.Glu1703Gln)

Gene: GPR179 (G protein-coupled receptor 179; minus strand). Cytogenetic location: 17q12.
Variant type: single nucleotide variant.
Coding change: c.5107G>C on transcript NM_001004334.4 (MANE Select); coding-DNA position 5107, G replaced by C.
Protein change: p.Glu1703Gln; replaces glutamic acid 1703 with glutamine.
Molecular consequence: missense variant.
Genome position (GRCh38, 1-based): chr17:38,328,462, C>G on the plus strand (G>C on the coding strand, the complement: GPR179 is on the minus strand). VCF-style: chr17-38328462-C-G. GRCh37 (hg19) VCF-style: chr17-36484345-C-G.
Other names: short protein forms E1703Q.
Identifiers: ClinVar variation 1512236 (VCV001512236.6), dbSNP rs2144257450, ClinGen allele CA398873433.

ClinVar aggregate classification (germline): Uncertain significance (1 of 4 stars; one submission).

gnomAD v4.1: 2 of 1,614,182 alleles (0.00012%); highest among the groups gnomAD compares: East Asian, 0.0045%; no homozygotes.

Submission:

Labcorp Genetics (formerly Invitae), Labcorp
Classification: Uncertain significance. Last evaluated: 2021-11-12. Review status: criteria provided, single submitter. Criteria: Invitae Variant Classification Sherloc (09022015). Collection method: clinical testing. Allele origin: germline.
Comment: In summary, the available evidence is currently insufficient to determine the role of this variant in disease. Therefore, it has been classified as a Variant of Uncertain Significance. Algorithms developed to predict the effect of missense changes on protein structure and function output the following: SIFT: "Tolerated"; PolyPhen-2: "Benign"; Align-GVGD: "Class C0". The glutamine amino acid residue is found in multiple mammalian species, which suggests that this missense change does not adversely affect protein function. This variant has not been reported in the literature in individuals affected with GPR179-related conditions. This variant is not present in population databases (gnomAD no frequency). This sequence change replaces glutamic acid, which is acidic and polar, with glutamine, which is neutral and polar, at codon 1703 of the GPR179 protein (p.Glu1703Gln).